The following is an entry in ClinVar:

ClinVar aggregate classification (germline): Uncertain significance (1 of 4 stars; one submission).

Conditions:
Hereditary cancer-predisposing syndrome. Also called: Neoplastic Syndromes, Hereditary; Hereditary Cancer Syndrome; Hereditary neoplastic syndrome; Tumor predisposition. Identifiers: Orphanet 140162, MedGen C0027672, MeSH D009386, MONDO:0015356.

Allele frequency attached by ClinVar (database versions not stated): gnomAD exomes below 0.00001.
gnomAD v4.1: 1 of 1,614,086 alleles (0.000062%); highest among the groups gnomAD compares: South Asian, 0.0011%; no homozygotes.

Submission:

Labcorp Genetics (formerly Invitae), Labcorp
Classification: Uncertain significance for Hereditary cancer-predisposing syndrome. Last evaluated: 2022-09-18. Review status: criteria provided, single submitter. Criteria: Invitae Variant Classification Sherloc (09022015). Collection method: clinical testing. Allele origin: germline.
Comment: This variant has not been reported in the literature in individuals affected with RAD50-related conditions. ClinVar contains an entry for this variant (Variation ID: 1060556). Advanced modeling of protein sequence and biophysical properties (such as structural, functional, and spatial information, amino acid conservation, physicochemical variation, residue mobility, and thermodynamic stability) performed at Invitae indicates that this missense variant is expected to disrupt RAD50 protein function. In summary, the available evidence is currently insufficient to determine the role of this variant in disease. Therefore, it has been classified as a Variant of Uncertain Significance. This variant is not present in population databases (gnomAD no frequency). This sequence change replaces phenylalanine, which is neutral and non-polar, with tyrosine, which is neutral and polar, at codon 396 of the RAD50 protein (p.Phe396Tyr).

NM_005732.4(RAD50):c.1187T>A (p.Phe396Tyr)

Gene: RAD50 (RAD50 double strand break repair protein; plus strand). Cytogenetic location: 5q31.1.
Variant type: single nucleotide variant.
Coding change: c.1187T>A on transcript NM_005732.4 (MANE Select); coding-DNA position 1187, T replaced by A.
Protein change: p.Phe396Tyr; replaces phenylalanine 396 with tyrosine.
Molecular consequence: missense variant.
Genome position (GRCh38, 1-based): chr5:132,588,822, T>A. VCF-style: chr5-132588822-T-A. GRCh37 (hg19) VCF-style: chr5-131924514-T-A.
Other names: short protein forms F396Y.
Identifiers: ClinVar variation 1060556 (VCV001060556.9), dbSNP rs1750645029, ClinGen allele CA360942846.